The following is an entry in ClinVar:

ClinVar aggregate classification (germline): Conflicting classifications of pathogenicity. Review status: criteria provided, conflicting classifications (1 of 4 stars). 4 submissions from 4 submitters: Uncertain significance (2); Likely benign (2). Last evaluated 2025-06-06.

Conditions:
Hereditary cancer-predisposing syndrome. Also called: Hereditary Cancer Syndrome; Neoplastic Syndromes, Hereditary; Tumor predisposition; Hereditary neoplastic syndrome. Identifiers: Orphanet 140162, MedGen C0027672, MeSH D009386, MONDO:0015356.

gnomAD v4.1: 1 of 1,610,940 alleles (0.000062%); highest among the groups gnomAD compares: Non-Finnish European, 0.000085%; no homozygotes.

Submissions (4):

Quest Diagnostics Nichols Institute San Juan Capistrano
Classification: Uncertain significance. Last evaluated: 2025-06-06. Review status: criteria provided, single submitter. Criteria: Quest Diagnostics criteria. Collection method: clinical testing. Allele origin: unknown.
Comment: The BRCA2 c.2024C>T (p.Thr675Ile) variant has been reported in the published literature to be located in a region of the BRCA2 gene that is tolerant to missense sequence changes (PMID: 31911673 (2020)). This variant has not been reported in large, multi-ethnic general populations (Genome Aggregation Database). Analysis of this variant using bioinformatics tools for the prediction of the effect of amino acid changes on protein structure and function yielded predictions that this variant is benign. Based on the available information, we are unable to determine the clinical significance of this variant.

Ambry Genetics
Classification: Likely benign for Hereditary cancer-predisposing syndrome. Last evaluated: 2023-10-26. Review status: criteria provided, single submitter. Criteria: Ambry Variant Classification Scheme 2023. Collection method: clinical testing. Allele origin: germline.

University of Washington Department of Laboratory Medicine, University of Washington
Classification: Likely benign for Hereditary cancer-predisposing syndrome. Last evaluated: 2023-03-23. Review status: criteria provided, single submitter. Criteria: Dines et al. (Genet Med. 2020). Collection method: curation. Allele origin: germline.
Comment: Missense variant in a coldspot region where missense variants are very unlikely to be pathogenic (PMID:31911673).

BRCA2 exon 11 coldspot. Reclassification based on statistical prior probability.

Revvity Omics, Revvity
Classification: Uncertain significance. Last evaluated: 2021-09-29. Review status: criteria provided, single submitter. Criteria: ACMG Guidelines, 2015. Collection method: clinical testing. Allele origin: germline.

Literature cited by the submitters: PubMed 31911673 (cited by Quest Diagnostics Nichols Institute San Juan Capistrano).

NM_000059.4(BRCA2):c.2024C>T (p.Thr675Ile)

Gene: BRCA2 (BRCA2 DNA repair associated; plus strand). Cytogenetic location: 13q13.1.
Variant type: single nucleotide variant.
Coding change: c.2024C>T on transcript NM_000059.4 (MANE Select); coding-DNA position 2024, C replaced by T.
Protein change: p.Thr675Ile; replaces threonine 675 with isoleucine.
Molecular consequence: missense variant.
Genome position (GRCh38, 1-based): chr13:32,336,379, C>T. VCF-style: chr13-32336379-C-T. GRCh37 (hg19) VCF-style: chr13-32910516-C-T.
Other names: c.2024C>T, p.Thr675Ile (NM_001406719.1, NM_001406720.1); short protein forms T675I.
Identifiers: ClinVar variation 2439561 (VCV002439561.7), dbSNP rs80358484, ClinGen allele CA387768846.
Genomic context (GRCh38, chr13:32,336,379, plus strand): 5'-CAACTTTGTCCTTAACTAGCTCTTTTGGGACAATTCTGAGGAAATGTTCTAGAAATGAAA[C>T]ATGTTCTAATAATACAGTAATCTCTCAGGATCTTGATTATAAAGAAGCAAAATGTAATAA-3'
Protein context (NP_000050.3, residues 665-685): TILRKCSRNE[Thr675Ile]CSNNTVISQD